The following is an entry in ClinVar:

NM_001122681.2(SH3BP2):c.808G>A (p.Val270Ile)

Gene: SH3BP2 (SH3 domain binding protein 2; plus strand). Cytogenetic location: 4p16.3.
Variant type: single nucleotide variant.
Coding change: c.808G>A on transcript NM_001122681.2 (MANE Select); coding-DNA position 808, G replaced by A.
Protein change: p.Val270Ile; replaces valine 270 with isoleucine.
Molecular consequence: missense variant.
Genome position (GRCh38, 1-based): chr4:2,829,714, G>A. VCF-style: chr4-2829714-G-A. GRCh37 (hg19) VCF-style: chr4-2831441-G-A.
Other names: c.892G>A, p.Val298Ile (NM_001145855.2); c.979G>A, p.Val327Ile (NM_001145856.2); c.808G>A, p.Val270Ile (NM_003023.4); short protein forms V270I, V298I, V327I.
Identifiers: ClinVar variation 1720547 (VCV001720547.5), dbSNP rs2530349440, ClinGen allele CA356056170.

ClinVar aggregate classification (germline): Uncertain significance (1 of 4 stars; one submission).

Conditions:
Fibrous dysplasia of jaw (CRBM). Also called: Cherubism. Identifiers: Orphanet 184, MedGen C0008029, MONDO:0007315, OMIM 118400.

Submission:

Labcorp Genetics (formerly Invitae), Labcorp
Classification: Uncertain significance for Fibrous dysplasia of jaw. Last evaluated: 2022-09-27. Review status: criteria provided, single submitter. Criteria: Invitae Variant Classification Sherloc (09022015). Collection method: clinical testing. Allele origin: germline.
Comment: In summary, the available evidence is currently insufficient to determine the role of this variant in disease. Therefore, it has been classified as a Variant of Uncertain Significance. Advanced modeling of protein sequence and biophysical properties (such as structural, functional, and spatial information, amino acid conservation, physicochemical variation, residue mobility, and thermodynamic stability) performed at Invitae indicates that this missense variant is not expected to disrupt SH3BP2 protein function. This variant has not been reported in the literature in individuals affected with SH3BP2-related conditions. This variant is not present in population databases (gnomAD no frequency). This sequence change replaces valine, which is neutral and non-polar, with isoleucine, which is neutral and non-polar, at codon 270 of the SH3BP2 protein (p.Val270Ile).